The following is an entry in ClinVar:

ClinVar aggregate classification (germline): Uncertain significance (0 of 4 stars; one submission).

Conditions:
CNOT1-related disorder. Also called: CNOT1-related condition.

Submission:

PreventionGenetics, part of Exact Sciences
Classification: Uncertain significance for CNOT1-related condition. Last evaluated: 2023-12-06. Review status: no assertion criteria provided. Collection method: clinical testing. Allele origin: germline.
Comment: The CNOT1 c.3560C>T variant is predicted to result in the amino acid substitution p.Ser1187Leu. To our knowledge, this variant has not been reported in the literature or in a large population database, indicating this variant is rare. At this time, the clinical significance of this variant is uncertain due to the absence of conclusive functional and genetic evidence.

NM_016284.5(CNOT1):c.3560C>T (p.Ser1187Leu)

Gene: CNOT1 (CCR4-NOT transcription complex subunit 1; minus strand). Cytogenetic location: 16q21.
Variant type: single nucleotide variant.
Coding change: c.3560C>T on transcript NM_016284.5 (MANE Select); coding-DNA position 3560, C replaced by T.
Protein change: p.Ser1187Leu; replaces serine 1187 with leucine.
Molecular consequence: missense variant. On other transcripts: non-coding transcript variant (1).
Genome position (GRCh38, 1-based): chr16:58,547,645, G>A on the plus strand (C>T on the coding strand, the complement: CNOT1 is on the minus strand). VCF-style: chr16-58547645-G-A. GRCh37 (hg19) VCF-style: chr16-58581549-G-A.
Other names: c.3545C>T, p.Ser1182Leu (NM_001265612.2); c.3560C>T, p.Ser1187Leu (NM_206999.3); short protein forms S1182L, S1187L.
Identifiers: ClinVar variation 3050525 (VCV003050525.2), dbSNP rs2543918721, ClinGen allele CA396171776.